The following is an entry in ClinVar:

ClinVar aggregate classification (germline): Likely benign. Review status: criteria provided, multiple submitters, no conflicts (2 of 4 stars). 3 submissions from 3 submitters: Likely benign (3). Last evaluated 2024-07-20.

Conditions:
Cardiovascular phenotype. Identifiers: MedGen CN230736.
Cardiomyopathy (CMYO). Also called: Cardiomyopathies. Identifiers: Orphanet 167848, MedGen C0878544, MONDO:0004994, HP:0001638. Inheritance: Various modes of inheritance.
Hypertrophic cardiomyopathy. Also called: HYPERTROPHIC MYOCARDIOPATHY. Identifiers: Orphanet 217569, MedGen C0007194, MeSH D002312, MONDO:0005045, HP:0001639.

Allele frequency attached by ClinVar (database versions not stated): gnomAD exomes below 0.00001; ExAC 0.00001.
gnomAD v4.1: 2 of 1,610,830 alleles (0.00012%); highest among the groups gnomAD compares: Non-Finnish European, 0.000085%; no homozygotes.

Submissions (3):

All of Us Research Program, National Institutes of Health
Classification: Likely benign for Hypertrophic cardiomyopathy. Last evaluated: 2024-07-20. Review status: criteria provided, single submitter. Criteria: ACMG Guidelines, 2015. Collection method: clinical testing. Allele origin: germline. Inheritance: Autosomal dominant inheritance. Observed: 1 variant allele, 1 heterozygote.
Comment: This study involves interpretation of variants in research participants for the purpose of population health screening. Participant phenotype was not available at the time of variant classification. Additional details can be found in publication PMID: 35346344, PMCID: PMC8962531

Ambry Genetics
Classification: Likely benign for Cardiovascular phenotype. Last evaluated: 2024-04-04. Review status: criteria provided, single submitter. Criteria: Ambry Variant Classification Scheme 2023. Collection method: clinical testing. Allele origin: germline.

Color Diagnostics, LLC DBA Color Health
Classification: Likely benign for Cardiomyopathy. Last evaluated: 2023-04-23. Review status: criteria provided, single submitter. Criteria: ACMG Guidelines, 2015. Collection method: clinical testing. Allele origin: germline.

NM_000256.3(MYBPC3):c.3363C>T (p.Arg1121=)

Gene: MYBPC3 (myosin binding protein C3; minus strand). Cytogenetic location: 11p11.2.
Variant type: single nucleotide variant.
Coding change: c.3363C>T on transcript NM_000256.3 (MANE Select); coding-DNA position 3363, C replaced by T.
Protein change: p.Arg1121=; no amino-acid change (arginine 1121 retained).
Molecular consequence: synonymous variant.
Genome position (GRCh38, 1-based): chr11:47,332,941, G>A on the plus strand (C>T on the coding strand, the complement: MYBPC3 is on the minus strand). VCF-style: chr11-47332941-G-A. GRCh37 (hg19) VCF-style: chr11-47354492-G-A.
Identifiers: ClinVar variation 2773703 (VCV002773703.4), dbSNP rs754741486, ClinGen allele CA079336.